The following is an entry in ClinVar:

ClinVar aggregate classification (germline): Benign/Likely benign. Review status: criteria provided, multiple submitters, no conflicts (2 of 4 stars). 3 submissions from 3 submitters: Benign (1); Likely benign (2). Last evaluated 2024-11-06.

Conditions:
Renal cell carcinoma. Identifiers: Orphanet 217071, MedGen C0007134, MeSH D002292, MONDO:0005086, HP:0005584.
Papillary renal cell carcinoma type 1 (RCCP1). Also called: RENAL CELL CARCINOMA, PAPILLARY, 1, SOMATIC; Renal adenocarcinoma; Renal cell carcinoma 1; Renal cell carcinoma, somatic. Identifiers: Orphanet 47044, MedGen C1336839, OMIM 605074, HP:0011797.
Hereditary cancer-predisposing syndrome. Also called: Tumor predisposition; Neoplastic Syndromes, Hereditary; Hereditary neoplastic syndrome; Hereditary Cancer Syndrome. Identifiers: Orphanet 140162, MedGen C0027672, MeSH D009386, MONDO:0015356.

Allele frequency attached by ClinVar (database versions not stated): gnomAD 0.00001; TOPMed 0.00001.
gnomAD v4.1: 2 of 1,614,000 alleles (0.00012%); highest among the groups gnomAD compares: Non-Finnish European, 0.000085%; no homozygotes.

Submissions (3):

Myriad Genetics, Inc.
Classification: Benign for Papillary renal cell carcinoma type 1. Last evaluated: 2024-11-06. Review status: criteria provided, single submitter. Criteria: Myriad Autosomal Dominant, Autosomal Recessive and X-Linked Classification Criteria (2023). Collection method: clinical testing. Allele origin: unknown.
Comment: This variant is considered benign. This variant is a silent/synonymous amino acid change and it is not expected to impact splicing.

Labcorp Genetics (formerly Invitae), Labcorp
Classification: Likely benign for Renal cell carcinoma. Last evaluated: 2023-01-17. Review status: criteria provided, single submitter. Criteria: Invitae Variant Classification Sherloc (09022015). Collection method: clinical testing. Allele origin: germline.

Ambry Genetics
Classification: Likely benign for Hereditary cancer-predisposing syndrome. Last evaluated: 2019-11-20. Review status: criteria provided, single submitter. Criteria: Ambry Variant Classification Scheme 2023. Collection method: clinical testing. Allele origin: germline.

NM_000245.4(MET):c.738C>T (p.Pro246=)

Gene: MET (MET proto-oncogene, receptor tyrosine kinase; plus strand). Cytogenetic location: 7q31.2.
Variant type: single nucleotide variant.
Coding change: c.738C>T on transcript NM_000245.4 (MANE Select); coding-DNA position 738, C replaced by T.
Protein change: p.Pro246=; no amino-acid change (proline 246 retained).
Molecular consequence: synonymous variant. On other transcripts: intron variant (1).
Genome position (GRCh38, 1-based): chr7:116,699,822, C>T. VCF-style: chr7-116699822-C-T. GRCh37 (hg19) VCF-style: chr7-116339876-C-T.
Other names: c.738C>T, p.Pro246= (NM_001127500.3, NM_001324401.3); c.-91+27245C>T (NM_001324402.2).
Identifiers: ClinVar variation 1149428 (VCV001149428.12), dbSNP rs1461455526, ClinGen allele CA457447869.